The following is an entry in ClinVar:

ClinVar aggregate classification (germline): Uncertain significance (1 of 4 stars; one submission).

Conditions:
Inborn genetic diseases. Identifiers: MedGen C0950123, MeSH D030342.

gnomAD v4.1: 1 of 1,613,734 alleles (0.000062%); highest among the groups gnomAD compares: Non-Finnish European, 0.000085%; no homozygotes.

Submission:

Ambry Genetics
Classification: Uncertain significance for Inborn genetic diseases. Last evaluated: 2025-09-01. Review status: criteria provided, single submitter. Criteria: Ambry Variant Classification Scheme 2023. Collection method: clinical testing. Allele origin: germline.
Comment: The p.E65Q variant (also known as c.193G>C), located in coding exon 1 of the G6PC3 gene, results from a G to C substitution at nucleotide position 193. The glutamic acid at codon 65 is replaced by glutamine, an amino acid with highly similar properties. This amino acid position is conserved. In addition, this alteration is predicted to be deleterious by in silico analysis. Based on the available evidence, the clinical significance of this variant remains unclear.

NM_138387.4(G6PC3):c.193G>C (p.Glu65Gln)

Genes: G6PC3 (glucose-6-phosphatase catalytic subunit 3; plus strand), LOC130060959 (ATAC-STARR-seq lymphoblastoid active region 12250; plus strand). Cytogenetic location: 17q21.31.
Variant type: single nucleotide variant.
Coding change: c.193G>C on transcript NM_138387.4 (MANE Select); coding-DNA position 193, G replaced by C.
Protein change: p.Glu65Gln; replaces glutamic acid 65 with glutamine.
Molecular consequence: missense variant. On other transcripts: 5 prime UTR variant (3), intron variant (1).
Genome position (GRCh38, 1-based): chr17:44,071,158, G>C. VCF-style: chr17-44071158-G-C. GRCh37 (hg19) VCF-style: chr17-42148526-G-C.
Other names: c.193G>C, p.Glu65Gln (NM_001319945.2); c.-212G>C (NM_001384165.1); c.-347G>C (NM_001384166.1); c.-337G>C (NM_001384167.1); c.-312+444G>C (NM_001384168.1); short protein forms E65Q.
Identifiers: ClinVar variation 4261008 (VCV004261008.1).